The following is an entry in ClinVar:

NM_144668.6(CFAP251):c.2578C>T (p.Arg860Cys)

Gene: CFAP251 (cilia and flagella associated protein 251; plus strand). Cytogenetic location: 12q24.31.
Variant type: single nucleotide variant.
Coding change: c.2578C>T on transcript NM_144668.6 (MANE Select); coding-DNA position 2578, C replaced by T.
Protein change: p.Arg860Cys; replaces arginine 860 with cysteine.
Molecular consequence: missense variant.
Genome position (GRCh38, 1-based): chr12:121,967,040, C>T. VCF-style: chr12-121967040-C-T. GRCh37 (hg19) VCF-style: chr12-122404946-C-T.
Other names: c.2578C>T, p.Arg860Cys (NM_001178003.2); c.2578C>T (NM_144668.5); short protein forms R860C.
Identifiers: ClinVar variation 2643491 (VCV002643491.25), dbSNP rs146415200, ClinGen allele CA6840908.

ClinVar aggregate classification (germline): Likely benign. Review status: criteria provided, single submitter (1 of 4 stars). 2 submissions from 2 submitters: Likely benign (1). 1 of the submissions does not count toward it. Last evaluated 2025-08-01.

Conditions:
CFAP251-related disorder. Also called: CFAP251-related condition.

Allele frequency attached by ClinVar (database versions not stated): 1000 Genomes Project 0.00260; 1000 Genomes Project 30x 0.00265; gnomAD 0.00550; TOPMed 0.00562; ESP Exome Variant Server 0.00634.
gnomAD v4.1: 12,701 of 1,614,148 alleles (0.79%); highest among the groups gnomAD compares: Non-Finnish European, 0.98%; 56 homozygotes.

Submissions (2):

CeGaT Center for Human Genetics Tuebingen
Classification: Likely benign. Last evaluated: 2025-08-01. Review status: criteria provided, single submitter. Criteria: CeGaT Center For Human Genetics Tuebingen Variant Classification Criteria Version 2. Collection method: clinical testing. Allele origin: germline. Affected: yes. Observed: 3 variant alleles.
Comment: CFAP251: BP4, BS2

PreventionGenetics, part of Exact Sciences
Classification: Likely benign for CFAP251-related condition. Last evaluated: 2020-10-06. Review status: no assertion criteria provided. Collection method: clinical testing. Allele origin: germline. Not counted in ClinVar's aggregate classification.
Comment: This variant is classified as likely benign based on ACMG/AMP sequence variant interpretation guidelines (Richards et al. 2015 PMID: 25741868, with internal and published modifications).